The following is an entry in ClinVar:

NM_138927.4(SON):c.1813G>A (p.Ala605Thr)

Gene: SON (SON DNA and RNA binding protein; plus strand). Cytogenetic location: 21q22.11.
Variant type: single nucleotide variant.
Coding change: c.1813G>A on transcript NM_138927.4 (MANE Select); coding-DNA position 1813, G replaced by A.
Protein change: p.Ala605Thr; replaces alanine 605 with threonine.
Molecular consequence: missense variant. On other transcripts: non-coding transcript variant (1), intron variant (1).
Genome position (GRCh38, 1-based): chr21:33,551,044, G>A. VCF-style: chr21-33551044-G-A. GRCh37 (hg19) VCF-style: chr21-34923350-G-A.
Other names: c.244+4665G>A (NM_001291412.3); c.1813G>A, p.Ala605Thr (NM_032195.3, NM_058183.2, NM_138926.1 and 2 more transcripts); short protein forms A605T.
Identifiers: ClinVar variation 2965748 (VCV002965748.3), dbSNP rs756701764, ClinGen allele CA10008977.

ClinVar aggregate classification (germline): Uncertain significance (1 of 4 stars; one submission).

Allele frequency attached by ClinVar (database versions not stated): ExAC 0.00001; gnomAD 0.00002; TOPMed 0.00003.
gnomAD v4.1: 9 of 1,611,808 alleles (0.00056%); highest among the groups gnomAD compares: African/African-American, 0.0094%; no homozygotes.

Submission:

Labcorp Genetics (formerly Invitae), Labcorp
Classification: Uncertain significance. Last evaluated: 2024-06-03. Review status: criteria provided, single submitter. Criteria: Invitae Variant Classification Sherloc (09022015). Collection method: clinical testing. Allele origin: germline.
Comment: This sequence change replaces alanine, which is neutral and non-polar, with threonine, which is neutral and polar, at codon 605 of the SON protein (p.Ala605Thr). This variant is present in population databases (rs756701764, gnomAD 0.007%). This variant has not been reported in the literature in individuals affected with SON-related conditions. An algorithm developed to predict the effect of missense changes on protein structure and function (PolyPhen-2) suggests that this variant is likely to be disruptive. In summary, the available evidence is currently insufficient to determine the role of this variant in disease. Therefore, it has been classified as a Variant of Uncertain Significance.